The following is an entry in ClinVar:

ClinVar aggregate classification (germline): Pathogenic (1 of 4 stars; one submission).

Conditions:
Cardiovascular phenotype. Identifiers: MedGen CN230736.

Submission:

Ambry Genetics
Classification: Pathogenic for Cardiovascular phenotype. Last evaluated: 2022-11-04. Review status: criteria provided, single submitter. Criteria: Ambry Variant Classification Scheme 2023. Collection method: clinical testing. Allele origin: germline.
Comment: The c.2552dupT pathogenic mutation, located in coding exon 19 of the RASA1 gene, results from a duplication of T at nucleotide position 2552, causing a translational frameshift with a predicted alternate stop codon (p.L852Tfs*33). This variant is considered to be rare based on population cohorts in the Genome Aggregation Database (gnomAD). This alteration is expected to result in loss of function by premature protein truncation or nonsense-mediated mRNA decay. As such, this alteration is interpreted as a disease-causing mutation.

NM_002890.3(RASA1):c.2552dup (p.Leu852fs)

Genes: CCNH (cyclin H; minus strand), RASA1 (RAS p21 protein activator 1; plus strand). Cytogenetic location: 5q14.3.
Variant type: Duplication.
Coding change: c.2552dup on transcript NM_002890.3 (MANE Select); coding-DNA position 2552, one base duplicated (T; older notation c.2552dupT).
Protein change: p.Leu852fs; shifts the reading frame from leucine 852.
Molecular consequence: frameshift variant. On other transcripts: intron variant (1).
Genome position (GRCh38, 1-based): chr5:87,379,799, T duplicated. VCF-style (leftmost placement, unchanged base first): chr5-87379798-A-AT. GRCh37 (hg19) VCF-style: chr5-86675615-A-AT.
Other names: c.2552dupT (NM_002890.3); c.2021dup, p.Leu675fs (NM_022650.3); c.933+15245dup (NM_001364075.2); short protein forms L852fs, L675fs.
Identifiers: ClinVar variation 2447487 (VCV002447487.2), dbSNP rs2531360007, ClinGen allele CA2580073676.